The following is an entry in ClinVar:

NM_004655.4(AXIN2):c.2001C>T (p.Ser667=)

Gene: AXIN2 (axin 2; minus strand). Cytogenetic location: 17q24.1.
Variant type: single nucleotide variant.
Coding change: c.2001C>T on transcript NM_004655.4 (MANE Select); coding-DNA position 2001, C replaced by T.
Protein change: p.Ser667=; no amino-acid change (serine 667 retained).
Molecular consequence: synonymous variant.
Genome position (GRCh38, 1-based): chr17:65,536,460, G>A on the plus strand (C>T on the coding strand, the complement: AXIN2 is on the minus strand). VCF-style: chr17-65536460-G-A. GRCh37 (hg19) VCF-style: chr17-63532578-G-A.
Other names: c.1806C>T, p.Ser602= (NM_001363813.1).
Identifiers: ClinVar variation 742725 (VCV000742725.14), dbSNP rs376242268, ClinGen allele CA8718438.

ClinVar aggregate classification (germline): Benign/Likely benign. Review status: criteria provided, multiple submitters, no conflicts (2 of 4 stars). 4 submissions from 4 submitters: Benign (1); Likely benign (3). Last evaluated 2025-09-08.

Conditions:
Hereditary cancer-predisposing syndrome. Also called: Neoplastic Syndromes, Hereditary; Hereditary Cancer Syndrome; Tumor predisposition; Hereditary neoplastic syndrome. Identifiers: Orphanet 140162, MedGen C0027672, MeSH D009386, MONDO:0015356.
Oligodontia-cancer predisposition syndrome. Also called: TOOTH AGENESIS-COLORECTAL CANCER SYNDROME. Identifiers: Orphanet 300576, MedGen C1837750, MONDO:0012075, OMIM 608615. Disease mechanism: loss of function.

Allele frequency attached by ClinVar (database versions not stated): TOPMed below 0.00001; gnomAD 0.00001; gnomAD exomes 0.00001; ExAC 0.00003; ESP Exome Variant Server 0.00008.
gnomAD v4.1: 3 of 1,613,664 alleles (0.00019%); highest among the groups gnomAD compares: African/African-American, 0.0027%; no homozygotes.

Submissions (4):

Labcorp Genetics (formerly Invitae), Labcorp
Classification: Likely benign for Oligodontia-cancer predisposition syndrome. Last evaluated: 2025-09-08. Review status: criteria provided, single submitter. Criteria: Invitae Variant Classification Sherloc (09022015). Collection method: clinical testing. Allele origin: germline.

Myriad Genetics, Inc.
Classification: Benign for Oligodontia-cancer predisposition syndrome. Last evaluated: 2024-07-09. Review status: criteria provided, single submitter. Criteria: Myriad Autosomal Dominant, Autosomal Recessive and X-Linked Classification Criteria (2023). Collection method: clinical testing. Allele origin: unknown.
Comment: This variant is considered benign. This variant is a silent/synonymous amino acid change and it is not expected to impact splicing.

Ambry Genetics
Classification: Likely benign for Hereditary cancer-predisposing syndrome. Last evaluated: 2023-02-04. Review status: criteria provided, single submitter. Criteria: Ambry Variant Classification Scheme 2023. Collection method: clinical testing. Allele origin: germline.

Sema4
Classification: Likely benign for Hereditary cancer-predisposing syndrome. Last evaluated: 2021-03-02. Review status: criteria provided, single submitter. Criteria: Sema4 Curation Guidelines. Collection method: curation. Allele origin: germline.